The following is an entry in ClinVar:

ClinVar aggregate classification (germline): Uncertain significance. Review status: criteria provided, multiple submitters, no conflicts (2 of 4 stars). 2 submissions from 2 submitters: Uncertain significance (2). Last evaluated 2023-12-14.

Conditions:
Inborn genetic diseases. Identifiers: MedGen C0950123, MeSH D030342.

Allele frequency attached by ClinVar (database versions not stated): gnomAD 0.00001; gnomAD exomes 0.00001.
gnomAD v4.1: 7 of 1,613,972 alleles (0.00043%); highest among the groups gnomAD compares: South Asian, 0.0044%; no homozygotes.

Submissions (2):

GeneDx
Classification: Uncertain significance. Last evaluated: 2023-12-14. Review status: criteria provided, single submitter. Criteria: GeneDx Variant Classification Process June 2021. Collection method: clinical testing. Allele origin: germline. Affected: yes.
Comment: Not observed at significant frequency in large population cohorts (gnomAD); In silico analysis supports that this missense variant does not alter protein structure/function; Has not been previously published as pathogenic or benign to our knowledge

Ambry Genetics
Classification: Uncertain significance for Inborn genetic diseases. Last evaluated: 2022-03-29. Review status: criteria provided, single submitter. Criteria: Ambry Variant Classification Scheme 2023. Collection method: clinical testing. Allele origin: germline.

NM_020745.4(AARS2):c.2210C>G (p.Ala737Gly)

Gene: AARS2 (alanyl-tRNA synthetase 2, mitochondrial; minus strand). Cytogenetic location: 6p21.1.
Variant type: single nucleotide variant.
Coding change: c.2210C>G on transcript NM_020745.4 (MANE Select); coding-DNA position 2210, C replaced by G.
Protein change: p.Ala737Gly; replaces alanine 737 with glycine.
Molecular consequence: missense variant.
Genome position (GRCh38, 1-based): chr6:44,303,111, G>C on the plus strand (C>G on the coding strand, the complement: AARS2 is on the minus strand). VCF-style: chr6-44303111-G-C. GRCh37 (hg19) VCF-style: chr6-44270848-G-C.
Other names: short protein forms A737G.
Identifiers: ClinVar variation 2410808 (VCV002410808.3), dbSNP rs1362064811, ClinGen allele CA364337377.